The following is an entry in ClinVar:

ClinVar aggregate classification (germline): Conflicting classifications of pathogenicity. Review status: criteria provided, conflicting classifications (1 of 4 stars). 3 submissions from 3 submitters: Uncertain significance (2); Likely benign (1). Last evaluated 2026-07-28.

Conditions:
Cardiovascular phenotype. Identifiers: MedGen CN230736.
LMF1-related disorder. Also called: LMF1-related condition.
Lipase deficiency, combined. Also called: LIPOPROTEIN LIPASE DEFICIENCY WITH HEPATIC TRIGLYCERIDE LIPASE DEFICIENCY; LPL AND HL DEFICIENCY; LPL AND HTGL DEFICIENCY. Identifiers: Orphanet 535453, MedGen C1855498, MONDO:0009527, OMIM 246650.

Allele frequency attached by ClinVar (database versions not stated): ESP Exome Variant Server 0.00008; gnomAD 0.00009; ExAC 0.00011; 1000 Genomes Project 0.00020; 1000 Genomes Project 30x 0.00031.
gnomAD v4.1: 62 of 1,611,820 alleles (0.0038%); highest among the groups gnomAD compares: East Asian, 0.056%; no homozygotes.

Submissions (3):

PreventionGenetics, part of Exact Sciences
Classification: Uncertain significance for LMF1-related condition. Last evaluated: 2026-07-28. Review status: criteria provided, single submitter. Criteria: ACMG Guidelines, 2015. Collection method: clinical testing. Allele origin: germline.
Comment: The LMF1 c.901G>A variant is predicted to result in the amino acid substitution p.Val301Ile. This variant has been reported as risk in a cohort study with hypertriglyceridemia (Table S2, Deshotels et al. 2022. PubMed ID: 36325899). This variant is reported in 0.046% of alleles in individuals of East Asian descent in gnomAD. At this time, the clinical significance of this variant is uncertain due to the absence of conclusive functional and genetic evidence.

Ambry Genetics
Classification: Likely benign for Cardiovascular phenotype. Last evaluated: 2021-12-16. Review status: criteria provided, single submitter. Criteria: Ambry Variant Classification Scheme 2023. Collection method: clinical testing. Allele origin: germline.

New York Genome Center
Classification: Uncertain significance for Lipase deficiency, combined. Last evaluated: 2020-11-03. Review status: criteria provided, single submitter. Criteria: NYGC Assertion Criteria 2020. Collection method: clinical testing. Allele origin: germline. Observed: 1 variant allele.

NM_022773.4(LMF1):c.901G>A (p.Val301Ile)

Gene: LMF1 (lipase maturation factor 1; minus strand). Cytogenetic location: 16p13.3.
Variant type: single nucleotide variant.
Coding change: c.901G>A on transcript NM_022773.4 (MANE Select); coding-DNA position 901, G replaced by A.
Protein change: p.Val301Ile; replaces valine 301 with isoleucine.
Molecular consequence: missense variant. On other transcripts: non-coding transcript variant (1).
Genome position (GRCh38, 1-based): chr16:871,338, C>T on the plus strand (G>A on the coding strand, the complement: LMF1 is on the minus strand). VCF-style: chr16-871338-C-T. GRCh37 (hg19) VCF-style: chr16-921338-C-T.
Other names: c.250G>A, p.Val84Ile (NM_001352017.2, NM_001352021.2); c.502G>A, p.Val168Ile (NM_001352018.2); c.574G>A, p.Val192Ile (NM_001352019.2); c.901G>A, p.Val301Ile (NM_001352020.1); short protein forms V168I, V192I, V84I, V301I.
Identifiers: ClinVar variation 1765506 (VCV001765506.4), dbSNP rs183552168, ClinGen allele CA7797279.